The following is an entry in ClinVar:

ClinVar aggregate classification (germline): Likely benign (0 of 4 stars; one submission).

Conditions:
BBS10-related disorder. Also called: BBS10-related condition.

Submission:

PreventionGenetics, part of Exact Sciences
Classification: Likely benign for BBS10-related condition. Last evaluated: 2024-04-03. Review status: no assertion criteria provided. Collection method: clinical testing. Allele origin: germline.
Comment: This variant is classified as likely benign based on ACMG/AMP sequence variant interpretation guidelines (Richards et al. 2015 PMID: 25741868, with internal and published modifications).

NM_024685.4(BBS10):c.-8G>T

Gene: BBS10 (Bardet-Biedl syndrome 10; minus strand). Cytogenetic location: 12q21.2.
Variant type: single nucleotide variant.
Coding change: c.-8G>T on transcript NM_024685.4 (MANE Select); 8 bases upstream of the start codon, G replaced by T.
Molecular consequence: 5 prime UTR variant.
Genome position (GRCh38, 1-based): chr12:76,348,366, C>A on the plus strand (G>T on the coding strand, the complement: BBS10 is on the minus strand). VCF-style: chr12-76348366-C-A. GRCh37 (hg19) VCF-style: chr12-76742146-C-A.
Identifiers: ClinVar variation 3347656 (VCV003347656.1).
Genomic context (GRCh38, chr12:76,348,366, plus strand): 5'-GCCACCTGCAACGCCGCCTTCACAGACCCTGCAGCGGCCATAGAACTTAACATATCTGGG[C>A]CGCTTCCCCTTTTTGACCAGCTTGCAGAACACCCGGGCCGACCGAAAACAGGGGTGGGAA-3'